The following is an entry in ClinVar:

NM_003072.5(SMARCA4):c.350C>T (p.Ser117Phe)

Gene: SMARCA4 (SWI/SNF related BAF chromatin remodeling complex subunit ATPase 4; plus strand). Cytogenetic location: 19p13.2.
Variant type: single nucleotide variant.
Coding change: c.350C>T on transcript NM_003072.5 (MANE Select); coding-DNA position 350, C replaced by T.
Protein change: p.Ser117Phe; replaces serine 117 with phenylalanine.
Molecular consequence: missense variant. On other transcripts: non-coding transcript variant (1).
Genome position (GRCh38, 1-based): chr19:10,985,400, C>T. VCF-style: chr19-10985400-C-T. GRCh37 (hg19) VCF-style: chr19-11096076-C-T.
Other names: c.350C>T, p.Ser117Phe (NM_001128844.3, NM_001128845.2, NM_001128846.2 and 5 more transcripts); short protein forms S117F.
Identifiers: ClinVar variation 1478391 (VCV001478391.10), dbSNP rs759594383, ClinGen allele CA9203461.

ClinVar aggregate classification (germline): Uncertain significance. Review status: criteria provided, multiple submitters, no conflicts (2 of 4 stars). 2 submissions from 2 submitters: Uncertain significance (2). Last evaluated 2022-08-15.

Conditions:
Hereditary cancer-predisposing syndrome. Also called: Tumor predisposition; Hereditary Cancer Syndrome; Hereditary neoplastic syndrome; Neoplastic Syndromes, Hereditary. Identifiers: Orphanet 140162, MedGen C0027672, MeSH D009386, MONDO:0015356.
Rhabdoid tumor predisposition syndrome 2 (RTPS2). Identifiers: Orphanet 231108, Orphanet 69077, MedGen C2750074, MONDO:0013224, OMIM 613325.

Allele frequency attached by ClinVar (database versions not stated): gnomAD exomes below 0.00001; ExAC 0.00001; gnomAD 0.00001.
gnomAD v4.1: 1 of 1,613,718 alleles (0.000062%); no homozygotes.

Submissions (2):

Labcorp Genetics (formerly Invitae), Labcorp
Classification: Uncertain significance for Rhabdoid tumor predisposition syndrome 2. Last evaluated: 2022-08-15. Review status: criteria provided, single submitter. Criteria: Invitae Variant Classification Sherloc (09022015). Collection method: clinical testing. Allele origin: germline.
Comment: In summary, the available evidence is currently insufficient to determine the role of this variant in disease. Therefore, it has been classified as a Variant of Uncertain Significance. Algorithms developed to predict the effect of missense changes on protein structure and function (SIFT, PolyPhen-2, Align-GVGD) all suggest that this variant is likely to be disruptive. ClinVar contains an entry for this variant (Variation ID: 1478391). This variant has not been reported in the literature in individuals affected with SMARCA4-related conditions. This variant is present in population databases (rs759594383, gnomAD 0.005%). This sequence change replaces serine, which is neutral and polar, with phenylalanine, which is neutral and non-polar, at codon 117 of the SMARCA4 protein (p.Ser117Phe).

Ambry Genetics
Classification: Uncertain significance for Hereditary cancer-predisposing syndrome. Last evaluated: 2021-08-23. Review status: criteria provided, single submitter. Criteria: Ambry Variant Classification Scheme 2023. Collection method: clinical testing. Allele origin: germline.
Comment: The p.S117F variant (also known as c.350C>T), located in coding exon 2 of the SMARCA4 gene, results from a C to T substitution at nucleotide position 350. The serine at codon 117 is replaced by phenylalanine, an amino acid with highly dissimilar properties. This amino acid position is highly conserved in available vertebrate species. In addition, the in silico prediction for this alteration is inconclusive. Missense and in-frame variants in SMARCA4 are known to cause neurodevelopmental disorders; however, such associations with rhabdoid tumor predisposition syndrome including small cell carcinoma of the ovary-hypercalcemic type (SCCOHT) are exceedingly rare (Kosho T et al. Am J Med Genet C Semin Med Genet. 2014 Sep;166C(3):262-75; Jelinic P et al. Nat Genet. 2014 May;46(5):424-6). Since supporting evidence is limited at this time, the clinical significance of this alteration remains unclear.